The following is an entry in ClinVar:

ClinVar aggregate classification (germline): Uncertain significance (1 of 4 stars; one submission).

Conditions:
Intellectual disability. Also called: Intellectual functioning disability; intellectual disabilities; Intellectual developmental disorder. Identifiers: MedGen C3714756, MeSH D008607, MONDO:0001071, HP:0001249.

Allele frequency attached by ClinVar (database versions not stated): TOPMed 0.00001.
gnomAD v4.1: 3 of 1,613,182 alleles (0.00019%); highest among the groups gnomAD compares: African/African-American, 0.004%; no homozygotes.

Submission:

Labcorp Genetics (formerly Invitae), Labcorp
Classification: Uncertain significance for Intellectual disability. Last evaluated: 2022-08-12. Review status: criteria provided, single submitter. Criteria: Invitae Variant Classification Sherloc (09022015). Collection method: clinical testing. Allele origin: germline.
Comment: ClinVar contains an entry for this variant (Variation ID: 1021769). This variant has not been reported in the literature in individuals affected with GABRB2-related conditions. This variant is not present in population databases (gnomAD no frequency). In summary, the available evidence is currently insufficient to determine the role of this variant in disease. Therefore, it has been classified as a Variant of Uncertain Significance. Advanced modeling of protein sequence and biophysical properties (such as structural, functional, and spatial information, amino acid conservation, physicochemical variation, residue mobility, and thermodynamic stability) performed at Invitae indicates that this missense variant is not expected to disrupt GABRB2 protein function. This sequence change replaces asparagine, which is neutral and polar, with lysine, which is basic and polar, at codon 197 of the GABRB2 protein (p.Asn197Lys).

NM_001371727.1(GABRB2):c.591T>A (p.Asn197Lys)

Gene: GABRB2 (gamma-aminobutyric acid type A receptor subunit beta2; minus strand). Cytogenetic location: 5q34.
Variant type: single nucleotide variant.
Coding change: c.591T>A on transcript NM_001371727.1 (MANE Select); coding-DNA position 591, T replaced by A.
Protein change: p.Asn197Lys; replaces asparagine 197 with lysine.
Molecular consequence: missense variant.
Genome position (GRCh38, 1-based): chr5:161,336,720, A>T on the plus strand (T>A on the coding strand, the complement: GABRB2 is on the minus strand). VCF-style: chr5-161336720-A-T. GRCh37 (hg19) VCF-style: chr5-160763727-A-T.
Other names: c.591T>A, p.Asn197Lys (NM_000813.3, NM_021911.3); short protein forms N197K.
Identifiers: ClinVar variation 1021769 (VCV001021769.9), dbSNP rs1426438345, ClinGen allele CA362172018.